The following is an entry in ClinVar:

NM_024675.4(PALB2):c.1052C>G (p.Thr351Arg)

Gene: PALB2 (partner and localizer of BRCA2; minus strand). Cytogenetic location: 16p12.2.
Variant type: single nucleotide variant.
Coding change: c.1052C>G on transcript NM_024675.4 (MANE Select); coding-DNA position 1052, C replaced by G.
Protein change: p.Thr351Arg; replaces threonine 351 with arginine.
Molecular consequence: missense variant.
Genome position (GRCh38, 1-based): chr16:23,635,494, G>C on the plus strand (C>G on the coding strand, the complement: PALB2 is on the minus strand). VCF-style: chr16-23635494-G-C. GRCh37 (hg19) VCF-style: chr16-23646815-G-C.
Other names: short protein forms T351R.
Identifiers: ClinVar variation 419253 (VCV000419253.17), dbSNP rs876658656, ClinGen allele CA16620154.

ClinVar aggregate classification (germline): Uncertain significance. Review status: criteria provided, multiple submitters, no conflicts (2 of 4 stars). 3 submissions from 3 submitters: Uncertain significance (3). Last evaluated 2025-10-15.

Conditions:
Familial cancer of breast. Also called: Hereditary breast cancer; BREAST CANCER, FAMILIAL; hereditary breast carcinoma. Identifiers: Orphanet 227535, MedGen C0346153, MONDO:0016419, OMIM 114480. Disease mechanism: loss of function.
Hereditary cancer-predisposing syndrome. Also called: Hereditary neoplastic syndrome; Tumor predisposition; Neoplastic Syndromes, Hereditary; Hereditary Cancer Syndrome. Identifiers: Orphanet 140162, MedGen C0027672, MeSH D009386, MONDO:0015356.

gnomAD v4.1: 2 of 1,613,994 alleles (0.00012%); highest among the groups gnomAD compares: Non-Finnish European, 0.00017%; no homozygotes.

Submissions (3):

Ambry Genetics
Classification: Uncertain significance for Hereditary cancer-predisposing syndrome. Last evaluated: 2025-10-15. Review status: criteria provided, single submitter. Criteria: Ambry Variant Classification Scheme 2023. Collection method: clinical testing. Allele origin: germline.
Comment: The p.T351R variant (also known as c.1052C>G), located in coding exon 4 of the PALB2 gene, results from a C to G substitution at nucleotide position 1052. The threonine at codon 351 is replaced by arginine, an amino acid with similar properties. This amino acid position is poorly conserved in available vertebrate species. In addition, this alteration is predicted to be tolerated by in silico analysis. Since supporting evidence is limited at this time, the clinical significance of this alteration remains unclear.

Labcorp Genetics (formerly Invitae), Labcorp
Classification: Uncertain significance for Familial cancer of breast. Last evaluated: 2025-09-24. Review status: criteria provided, single submitter. Criteria: Invitae Variant Classification Sherloc (09022015). Collection method: clinical testing. Allele origin: germline.
Comment: This sequence change replaces threonine, which is neutral and polar, with arginine, which is basic and polar, at codon 351 of the PALB2 protein (p.Thr351Arg). This variant is not present in population databases (gnomAD no frequency). This variant has not been reported in the literature in individuals affected with PALB2-related conditions. ClinVar contains an entry for this variant (Variation ID: 419253). Invitae Evidence Modeling of protein sequence and biophysical properties (such as structural, functional, and spatial information, amino acid conservation, physicochemical variation, residue mobility, and thermodynamic stability) has been performed for this missense variant. However, the output from this modeling did not meet the statistical confidence thresholds required to predict the impact of this variant on PALB2 protein function. In summary, the available evidence is currently insufficient to determine the role of this variant in disease. Therefore, it has been classified as a Variant of Uncertain Significance.

GeneDx
Classification: Uncertain significance. Last evaluated: 2018-06-20. Review status: criteria provided, single submitter. Criteria: GeneDx Variant Classification (06012015). Collection method: clinical testing. Allele origin: germline. Affected: yes.
Comment: This variant is denoted PALB2 c.1052C>G at the cDNA level, p.Thr351Arg (T351R) at the protein level, and results in the change of a Threonine to an Arginine (ACA>AGA). This variant has not, to our knowledge, been published in the literature as pathogenic or benign. PALB2 Thr351Arg was not observed in approximately 6,500 individuals of European and African American ancestry in the NHLBI Exome Sequencing Project, indicating it is not a common benign variant in these populations. Since Threonine and Arginine differ in some properties, this is considered a semi-conservative amino acid substitution. PALB2 Thr351Arg occurs at a position that is not conserved and is located in the DNA-binding region (UniProt). In silico analyses are inconsistent regarding the effect this variant may have on protein structure and function. Based on currently available information, it is unclear whether PALB2 Thr351Arg is pathogenic or benign. We consider it to be a variant of uncertain significance.